The following is an entry in ClinVar:

NM_130468.4(CHST14):c.635T>C (p.Val212Ala)

Gene: CHST14 (carbohydrate sulfotransferase 14; plus strand). Cytogenetic location: 15q15.1.
Variant type: single nucleotide variant.
Coding change: c.635T>C on transcript NM_130468.4 (MANE Select); coding-DNA position 635, T replaced by C.
Protein change: p.Val212Ala; replaces valine 212 with alanine.
Molecular consequence: missense variant.
Genome position (GRCh38, 1-based): chr15:40,471,848, T>C. VCF-style: chr15-40471848-T-C. GRCh37 (hg19) VCF-style: chr15-40764047-T-C.
Other names: p.Val212Ala; short protein forms V212A.
Identifiers: ClinVar variation 373593 (VCV000373593.61), dbSNP rs144629123, ClinGen allele CA7481625.
Genomic context (GRCh38, chr15:40,471,848, plus strand): 5'-CCGACCTGCGGCCTGAGGAGATTCGCTACCGCCTGCAGCACTACTTTAAGTTCCTGTTTG[T>C]GCGGGAGCCCTTGGAACGCCTCCTCTCTGCCTACCGCAACAAGTTTGGCGAGATCCGAGA-3'
Protein context (NP_569735.1, residues 202-222): RLQHYFKFLF[Val212Ala]REPLERLLSA

ClinVar aggregate classification (germline): Conflicting classifications of pathogenicity. Review status: criteria provided, conflicting classifications (1 of 4 stars). 9 submissions from 9 submitters: Uncertain significance (2); Benign (3); Likely benign (4). Last evaluated 2026-09-15.

Conditions:
CHST14-related disorder. Also called: CHST14-related condition.
Cardiovascular phenotype. Identifiers: MedGen CN230736.
Ehlers-Danlos syndrome (EDS). Identifiers: Orphanet 98249, MedGen C0013720, MONDO:0020066.
Ehlers-Danlos syndrome, musculocontractural type (EDSMC). Also called: Adducted thumb, clubfoot, progressive joint and skin laxity syndrome; DUNDAR SYNDROME; ADDUCTED THUMB-CLUBFOOT SYNDROME; ARTHROGRYPOSIS, DISTAL, WITH PECULIAR FACIES AND HYDRONEPHROSIS. Identifiers: Orphanet 2953, MedGen C1866294, MONDO:0011142.

Allele frequency attached by ClinVar (database versions not stated): gnomAD exomes 0.00031 and 0.00054; TOPMed 0.00038; gnomAD 0.00042 and 0.00046; ExAC 0.00052; ESP Exome Variant Server 0.00108.
gnomAD v4.1: 520 of 1,613,726 alleles (0.032%); highest among the groups gnomAD compares: Non-Finnish European, 0.026%; 2 homozygotes.

Submissions (9):

PreventionGenetics, part of Exact Sciences
Classification: Likely benign for CHST14-related condition. Last evaluated: 2026-09-15. Review status: criteria provided, single submitter. Criteria: ACMG Guidelines, 2015. Collection method: clinical testing. Allele origin: germline.
Comment: This variant is classified as likely benign based on ACMG/AMP sequence variant interpretation guidelines (Richards et al. 2015 PMID: 25741868, with internal and published modifications).

CeGaT Center for Human Genetics Tuebingen
Classification: Likely benign. Last evaluated: 2026-08-01. Review status: criteria provided, single submitter. Criteria: CeGaT Center For Human Genetics Tuebingen Variant Classification Criteria Version 2. Collection method: clinical testing. Allele origin: germline. Affected: yes. Observed: 6 variant alleles.
Comment: CHST14: PP3, BS2

Labcorp Genetics (formerly Invitae), Labcorp
Classification: Benign for Ehlers-Danlos syndrome, musculocontractural type. Last evaluated: 2026-01-11. Review status: criteria provided, single submitter. Criteria: Invitae Variant Classification Sherloc (09022015). Collection method: clinical testing. Allele origin: germline.

Women's Health and Genetics/Laboratory Corporation of America, LabCorp
Classification: Benign. Last evaluated: 2025-01-22. Review status: criteria provided, single submitter. Criteria: LabCorp Variant Classification Summary - May 2015. Collection method: clinical testing. Allele origin: germline.
Comment: Variant summary: CHST14 c.635T>C (p.Val212Ala) results in a non-conservative amino acid change located in the Sulfotransferase family (IPR005331) of the encoded protein sequence. Five of five in-silico tools predict a damaging effect of the variant on protein function. The variant allele was found at a frequency of 0.00032 in 1613726 control chromosomes, predominantly at a frequency of 0.0062 within the Ashkenazi Jewish subpopulation in the gnomAD database (v4), including 2 homozygotes. The observed variant frequency within Ashkenazi Jewish control individuals in the gnomAD database is approximately 5.55 fold of the estimated maximal expected allele frequency for a pathogenic variant in CHST14 causing Ehlers-Danlos syndrome, musculocontractural type phenotype (0.0011). To our knowledge, no occurrence of c.635T>C in individuals affected with Ehlers-Danlos syndrome, musculocontractural type and no experimental evidence demonstrating its impact on protein function have been reported. ClinVar contains an entry for this variant (Variation ID: 373593). Based on the evidence outlined above, the variant was classified as benign.

Blueprint Genetics
Classification: Likely benign. Last evaluated: 2024-11-27. Review status: criteria provided, single submitter. Criteria: ACMG Guidelines, 2015. Collection method: clinical testing. Allele origin: germline.

Ambry Genetics
Classification: Likely benign for Cardiovascular phenotype. Last evaluated: 2022-05-09. Review status: criteria provided, single submitter. Criteria: Ambry Variant Classification Scheme 2023. Collection method: clinical testing. Allele origin: germline.

Genome Diagnostics Laboratory, The Hospital for Sick Children
Classification: Uncertain significance for Ehlers-Danlos syndrome. Last evaluated: 2020-03-01. Review status: criteria provided, single submitter. Criteria: ACMG Guidelines, 2015. Collection method: clinical testing. Allele origin: germline.

Mayo Clinic Laboratories, Mayo Clinic
Classification: Benign. Last evaluated: 2019-12-27. Review status: criteria provided, single submitter. Criteria: ACMG Guidelines, 2015. Collection method: clinical testing. Allele origin: germline. Observed: 8 variant alleles.

GeneDx
Classification: Uncertain significance. Last evaluated: 2016-11-29. Review status: criteria provided, single submitter. Criteria: GeneDx Variant Classification (06012015). Collection method: clinical testing. Allele origin: germline. Affected: yes.
Comment: A variant of uncertain significance has been identified in the CHST14 gene. The V212A variant has not been published as a pathogenic variant, nor has it been reported as a benign variant to our knowledge. The V212A substitution occurs at a position that is conserved through mammals, and alanine (A) is not wild type in any species. In addition, in silico analysis predicts this variant is probably damaging to the protein structure/function. Nonetheless, V212A is a conservative amino acid substitution, which is not likely to impact secondary protein structure as these residues share similar properties. Finally, this variant has been reported in approximately 0.1-0.2% of alleles from individuals of European ancestry in the NHLBI Exome Sequencing Project and the Exome Aggregation Consortium (ExAC), including three homozygous individuals.